The following is an entry in ClinVar:

ClinVar aggregate classification (germline): Uncertain significance (1 of 4 stars; one submission).

Conditions:
Ehlers-Danlos syndrome, kyphoscoliotic type 1 (EDSKSCL1). Also called: PLOD1-Related Kyphoscoliotic Ehlers-Danlos Syndrome; EHLERS-DANLOS SYNDROME, OCULAR-SCOLIOTIC TYPE; Ehlers-Danlos syndrome, hydroxylysine-deficient; EHLERS-DANLOS SYNDROME, TYPE VIA. Identifiers: Orphanet 1900, MedGen C0268342, MONDO:0016002, OMIM 225400. Disease mechanism: loss of function.

Submission:

Labcorp Genetics (formerly Invitae), Labcorp
Classification: Uncertain significance for Ehlers-Danlos syndrome, kyphoscoliotic type 1. Last evaluated: 2018-12-27. Review status: criteria provided, single submitter. Criteria: Invitae Variant Classification Sherloc (09022015). Collection method: clinical testing. Allele origin: germline.
Comment: In summary, the available evidence is currently insufficient to determine the role of this variant in disease. Therefore, it has been classified as a Variant of Uncertain Significance. Algorithms developed to predict the effect of missense changes on protein structure and function are either unavailable or do not agree on the potential impact of this missense change (SIFT: "Tolerated"; PolyPhen-2: "Probably Damaging"; Align-GVGD: "Class C0"). This variant has not been reported in the literature in individuals with PLOD1-related conditions. This variant is not present in population databases (ExAC no frequency). This sequence change replaces serine with proline at codon 416 of the PLOD1 protein (p.Ser416Pro). The serine residue is highly conserved and there is a moderate physicochemical difference between serine and proline.

NM_000302.4(PLOD1):c.1246T>C (p.Ser416Pro)

Gene: PLOD1 (procollagen-lysine,2-oxoglutarate 5-dioxygenase 1; plus strand). Cytogenetic location: 1p36.22.
Variant type: single nucleotide variant.
Coding change: c.1246T>C on transcript NM_000302.4 (MANE Select); coding-DNA position 1246, T replaced by C.
Protein change: p.Ser416Pro; replaces serine 416 with proline.
Molecular consequence: missense variant.
Genome position (GRCh38, 1-based): chr1:11,964,218, T>C. VCF-style: chr1-11964218-T-C. GRCh37 (hg19) VCF-style: chr1-12024275-T-C.
Other names: c.1387T>C, p.Ser463Pro (NM_001316320.2); short protein forms S463P, S416P.
Identifiers: ClinVar variation 659462 (VCV000659462.9), dbSNP rs1569721294, ClinGen allele CA338441218.
Genomic context (GRCh38, chr1:11,964,218, plus strand): 5'-GTGCTCCCTTCCCTCAGGAACGTCATTGCCCCGCTGATGACCCGGCATGGGAGGCTGTGG[T>C]CGAACTTCTGGGGGGCTCTCAGTGCAGATGGCTACTATGCCCGTTCCGAGGACTACGTGG-3'
Protein context (NP_000293.2, residues 406-426): PLMTRHGRLW[Ser416Pro]NFWGALSADG